The following is an entry in ClinVar:

NM_152564.5(VPS13B):c.10812del (p.Arg3604fs)

Gene: VPS13B (vacuolar protein sorting 13 homolog B; plus strand). Cytogenetic location: 8q22.2.
Variant type: Deletion.
Coding change: c.10812del on transcript NM_152564.5 (MANE Select); coding-DNA position 10812, one base deleted (G; older notation c.10812delG).
Protein change: p.Arg3604fs; shifts the reading frame from arginine 3604.
Molecular consequence: frameshift variant.
Genome position (GRCh38, 1-based): chr8:99,854,201, G deleted; the last of 2 consecutive G bases (chr8:99,854,200-99,854,201); deleting either gives the same sequence. VCF-style (leftmost placement, unchanged base first): chr8-99854199-AG-A. GRCh37 (hg19) VCF-style: chr8-100866427-AG-A.
Other names: c.10887del, p.Arg3629fs (NM_017890.5); short protein forms R3629fs, R3604fs.
Identifiers: ClinVar variation 2023891 (VCV002023891.4), dbSNP rs2492241039, ClinGen allele CA2580079175.
Genomic context (GRCh38, chr8:99,854,199, plus strand): 5'-TCAGACCACACTCCTCTCTCCTTCTCGGTGTTTGAAAGAGGACCCATCTTCACCACTGCG[AG>A]GCAGCTTGTGCACGCCCTGGCAATGCACTATGCCGCTGGGGCCCTTTTTAGAGCAGGTAA-3'

ClinVar aggregate classification (germline): Pathogenic (1 of 4 stars; one submission).

Conditions:
Cohen syndrome (COH1). Also called: Cutis verticis gyrata, retinitis pigmentosa, and sensorineural deafness; PEPPER SYNDROME. Identifiers: Orphanet 193, MedGen C0265223, MONDO:0008999, OMIM 216550.

Submission:

Labcorp Genetics (formerly Invitae), Labcorp
Classification: Pathogenic for Cohen syndrome. Last evaluated: 2022-08-22. Review status: criteria provided, single submitter. Criteria: Invitae Variant Classification Sherloc (09022015). Collection method: clinical testing. Allele origin: germline.
Comment: For these reasons, this variant has been classified as Pathogenic. This variant has not been reported in the literature in individuals affected with VPS13B-related conditions. This variant is not present in population databases (gnomAD no frequency). This sequence change creates a premature translational stop signal (p.Arg3629Serfs*22) in the VPS13B gene. It is expected to result in an absent or disrupted protein product. Loss-of-function variants in VPS13B are known to be pathogenic (PMID: 15141358, 16648375, 20461111).

Literature cited by the submitters: PubMed 15141358; PubMed 16648375; PubMed 20461111.